The following is an entry in ClinVar:

NM_001903.5(CTNNA1):c.1882G>A (p.Ala628Thr)

Gene: CTNNA1 (catenin alpha 1; plus strand). Cytogenetic location: 5q31.2.
Variant type: single nucleotide variant.
Coding change: c.1882G>A on transcript NM_001903.5 (MANE Select); coding-DNA position 1882, G replaced by A.
Protein change: p.Ala628Thr; replaces alanine 628 with threonine.
Molecular consequence: missense variant.
Genome position (GRCh38, 1-based): chr5:138,925,390, G>A. VCF-style: chr5-138925390-G-A. GRCh37 (hg19) VCF-style: chr5-138261079-G-A.
Other names: c.772G>A, p.Ala258Thr (NM_001323992.1, NM_001323993.1, NM_001323994.1 and 17 more transcripts); c.1882G>A, p.Ala628Thr (NM_001290307.3, NM_001323982.2, NM_001323983.1 and 2 more transcripts); c.1573G>A, p.Ala525Thr (NM_001290309.3); c.1513G>A, p.Ala505Thr (NM_001290310.3); c.1789G>A, p.Ala597Thr (NM_001323986.2); c.433G>A, p.Ala145Thr (NM_001324006.1, NM_001324007.1, NM_001324008.1 and 2 more transcripts); c.679G>A, p.Ala227Thr (NM_001324011.1); c.529G>A, p.Ala177Thr (NM_001324012.1, NM_001324013.1); short protein forms A227T, A258T, A505T, A145T, A177T, A525T, A597T, A628T.
Identifiers: ClinVar variation 5035017 (VCV005035017.1).
Genomic context (GRCh38, chr5:138,925,390, plus strand): 5'-GAGAATGAGTTTATCGATGCTTCCCGCCTGGTATATGATGGCATCCGGGACATCAGGAAA[G>A]CAGTGCTGATGATAAGGGTGAGTAACTGCATTTCAGACGTCTTAACAGCTTCTTTCTTAT-3'
Protein context (NP_001894.2, residues 618-638): VYDGIRDIRK[Ala628Thr]VLMIRTPEEL

ClinVar aggregate classification (germline): Uncertain significance (1 of 4 stars; one submission).

Conditions:
Hereditary cancer-predisposing syndrome. Also called: Hereditary Cancer Syndrome; Neoplastic Syndromes, Hereditary; Tumor predisposition; Hereditary neoplastic syndrome. Identifiers: Orphanet 140162, MedGen C0027672, MeSH D009386, MONDO:0015356.

Submission:

Ambry Genetics
Classification: Uncertain significance for Hereditary cancer-predisposing syndrome. Last evaluated: 2026-09-01. Review status: criteria provided, single submitter. Criteria: Ambry Variant Classification Scheme 2023. Collection method: clinical testing. Allele origin: germline.
Comment: The p.A628T variant (also known as c.1882G>A), located in coding exon 12 of the CTNNA1 gene, results from a G to A substitution at nucleotide position 1882. The alanine at codon 628 is replaced by threonine, an amino acid with similar properties. This amino acid position is highly conserved in available vertebrate species. In addition, this alteration is predicted to be deleterious by in silico analysis. Based on the available evidence, the clinical significance of this variant remains unclear.